The following is an entry in ClinVar:

ClinVar aggregate classification (germline): Uncertain significance. Review status: criteria provided, multiple submitters, no conflicts (2 of 4 stars). 2 submissions from 2 submitters: Uncertain significance (2). Last evaluated 2026-08-22.

Conditions:
Developmental and epileptic encephalopathy, 23 (DEE23). Also called: Epileptic encephalopathy, early infantile, 23. Identifiers: Orphanet 411986, MedGen C4014492, MONDO:0014371, OMIM 615859.

Allele frequency attached by ClinVar (database versions not stated): gnomAD exomes 0.00001; gnomAD 0.00001; ExAC 0.00001; TOPMed 0.00002.
gnomAD v4.1: 10 of 1,613,810 alleles (0.00062%); highest among the groups gnomAD compares: East Asian, 0.0022%; no homozygotes.

Submissions (2):

GeneDx
Classification: Uncertain significance. Last evaluated: 2026-08-22. Review status: criteria provided, single submitter. Criteria: GeneDx Variant Classification Process June 2021. Collection method: clinical testing. Allele origin: germline.
Comment: Not observed at significant frequency in large population cohorts (gnomAD); In silico analysis suggests that this missense variant does not alter protein structure/function; Has not been previously published as pathogenic or benign to our knowledge; In silico analysis suggests this variant may impact gene splicing. In the absence of RNA/functional studies, the actual effect of this sequence change is unknown.

Labcorp Genetics (formerly Invitae), Labcorp
Classification: Uncertain significance for Developmental and epileptic encephalopathy, 23. Last evaluated: 2024-05-28. Review status: criteria provided, single submitter. Criteria: Invitae Variant Classification Sherloc (09022015). Collection method: clinical testing. Allele origin: germline.
Comment: This sequence change replaces serine, which is neutral and polar, with isoleucine, which is neutral and non-polar, at codon 1112 of the DOCK7 protein (p.Ser1112Ile). This variant is present in population databases (rs762113697, gnomAD 0.006%). This variant has not been reported in the literature in individuals affected with DOCK7-related conditions. ClinVar contains an entry for this variant (Variation ID: 1307740). An algorithm developed to predict the effect of missense changes on protein structure and function (PolyPhen-2) suggests that this variant is likely to be tolerated. In summary, the available evidence is currently insufficient to determine the role of this variant in disease. Therefore, it has been classified as a Variant of Uncertain Significance.

NM_001367561.1(DOCK7):c.3335G>T (p.Ser1112Ile)

Gene: DOCK7 (dedicator of cytokinesis 7; minus strand). Cytogenetic location: 1p31.3.
Variant type: single nucleotide variant.
Coding change: c.3335G>T on transcript NM_001367561.1 (MANE Select); coding-DNA position 3335, G replaced by T.
Protein change: p.Ser1112Ile; replaces serine 1112 with isoleucine.
Molecular consequence: missense variant.
Genome position (GRCh38, 1-based): chr1:62,538,027, C>A on the plus strand (G>T on the coding strand, the complement: DOCK7 is on the minus strand). VCF-style: chr1-62538027-C-A. GRCh37 (hg19) VCF-style: chr1-63003698-C-A.
Other names: c.3335G>T, p.Ser1112Ile (NM_001271999.2, NM_001330614.2); c.3242G>T, p.Ser1081Ile (NM_001272000.2, NM_001272001.2, NM_033407.4); short protein forms S1081I, S1112I.
Identifiers: ClinVar variation 1307740 (VCV001307740.5), dbSNP rs762113697, ClinGen allele CA886020.